The following is an entry in ClinVar:

ClinVar aggregate classification (germline): Uncertain significance (1 of 4 stars; one submission).

Submission:

Women's Health and Genetics/Laboratory Corporation of America, LabCorp
Classification: Uncertain significance. Last evaluated: 2025-01-02. Review status: criteria provided, single submitter. Criteria: LabCorp Variant Classification Summary - May 2015. Collection method: clinical testing. Allele origin: germline.
Comment: Variant summary: CACNA1S c.5567G>A (p.Gly1856Asp) results in a non-conservative amino acid change in the encoded protein sequence. Three of five in-silico tools predict a benign effect of the variant on protein function. The variant was absent in 250056 control chromosomes. The available data on variant occurrences in the general population are insufficient to allow any conclusion about variant significance. To our knowledge, no occurrence of c.5567G>A in individuals affected with Hypokalemic periodic paralysis, type 1 and no experimental evidence demonstrating its impact on protein function have been reported. No submitters have cited clinical-significance assessments for this variant to ClinVar. Based on the evidence outlined above, the variant was classified as uncertain significance.

NM_000069.3(CACNA1S):c.5567G>A (p.Gly1856Asp)

Gene: CACNA1S (calcium voltage-gated channel subunit alpha1 S; minus strand). Cytogenetic location: 1q32.1.
Variant type: single nucleotide variant.
Coding change: c.5567G>A on transcript NM_000069.3 (MANE Select); coding-DNA position 5567, G replaced by A.
Protein change: p.Gly1856Asp; replaces glycine 1856 with aspartic acid.
Molecular consequence: missense variant.
Genome position (GRCh38, 1-based): chr1:201,039,886, C>T on the plus strand (G>A on the coding strand, the complement: CACNA1S is on the minus strand). VCF-style: chr1-201039886-C-T. GRCh37 (hg19) VCF-style: chr1-201009014-C-T.
Other names: short protein forms G1856D.
Identifiers: ClinVar variation 3769323 (VCV003769323.2).